The following is an entry in ClinVar:

ClinVar aggregate classification (germline): Uncertain significance (1 of 4 stars; one submission).

Allele frequency attached by ClinVar (database versions not stated): TOPMed below 0.00001; gnomAD exomes 0.00001; gnomAD 0.00003; ExAC 0.00006.
gnomAD v4.1: 13 of 1,584,806 alleles (0.00082%); highest among the groups gnomAD compares: South Asian, 0.0069%; no homozygotes.

Submission:

Labcorp Genetics (formerly Invitae), Labcorp
Classification: Uncertain significance. Last evaluated: 2023-08-17. Review status: criteria provided, single submitter. Criteria: Invitae Variant Classification Sherloc (09022015). Collection method: clinical testing. Allele origin: germline.
Comment: In summary, the available evidence is currently insufficient to determine the role of this variant in disease. Therefore, it has been classified as a Variant of Uncertain Significance. Algorithms developed to predict the effect of missense changes on protein structure and function output the following: SIFT: "Not Available"; PolyPhen-2: "Benign"; Align-GVGD: "Not Available". The cysteine amino acid residue is found in multiple mammalian species, which suggests that this missense change does not adversely affect protein function. ClinVar contains an entry for this variant (Variation ID: 1488145). This variant has not been reported in the literature in individuals affected with SLC24A1-related conditions. The frequency data for this variant in the population databases is considered unreliable, as metrics indicate poor data quality at this position in the gnomAD database. This sequence change replaces arginine, which is basic and polar, with cysteine, which is neutral and slightly polar, at codon 686 of the SLC24A1 protein (p.Arg686Cys).

NM_004727.3(SLC24A1):c.2056C>T (p.Arg686Cys)

Gene: SLC24A1 (solute carrier family 24 member 1; plus strand). Cytogenetic location: 15q22.31.
Variant type: single nucleotide variant.
Coding change: c.2056C>T on transcript NM_004727.3 (MANE Select); coding-DNA position 2056, C replaced by T.
Protein change: p.Arg686Cys; replaces arginine 686 with cysteine.
Molecular consequence: missense variant.
Genome position (GRCh38, 1-based): chr15:65,644,429, C>T. VCF-style: chr15-65644429-C-T. GRCh37 (hg19) VCF-style: chr15-65936767-C-T.
Other names: c.37C>T, p.Arg13Cys (NM_001254740.2); c.2056C>T, p.Arg686Cys (NM_001301031.1); c.2002C>T, p.Arg668Cys (NM_001301032.1, NM_001301033.2); short protein forms R668C, R686C, R13C.
Identifiers: ClinVar variation 1488145 (VCV001488145.8), dbSNP rs773096612, ClinGen allele CA7620083.
Genomic context (GRCh38, chr15:65,644,429, plus strand): 5'-GCGTGGCAGGGATGATCCTACAATTCCAGGTAAGATGTATGTCCTGTCTCATTTGCAGTT[C>T]GCCTTGCCAAGGAGAAGGAGGAGGAGAGCTTGAATCAAGGGGCCAGAGCCCAACCCCAGG-3'
Protein context (NP_004718.1, residues 676-696): LHSLDPLREV[Arg686Cys]LAKEKEEESL